The following is an entry in ClinVar:

NM_014727.3(KMT2B):c.1789C>T (p.Pro597Ser)

Gene: KMT2B (lysine methyltransferase 2B; plus strand). Cytogenetic location: 19q13.12.
Variant type: single nucleotide variant.
Coding change: c.1789C>T on transcript NM_014727.3 (MANE Select); coding-DNA position 1789, C replaced by T.
Protein change: p.Pro597Ser; replaces proline 597 with serine.
Molecular consequence: missense variant.
Genome position (GRCh38, 1-based): chr19:35,721,136, C>T. VCF-style: chr19-35721136-C-T. GRCh37 (hg19) VCF-style: chr19-36212038-C-T.
Other names: short protein forms P597S.
Identifiers: ClinVar variation 5008250 (VCV005008250.1).

ClinVar aggregate classification (germline): Uncertain significance (1 of 4 stars; one submission).

Submission:

GeneDx
Classification: Uncertain significance. Last evaluated: 2026-03-04. Review status: criteria provided, single submitter. Criteria: GeneDx Variant Classification Process June 2021. Collection method: clinical testing. Allele origin: germline.
Comment: Not observed at significant frequency in large population cohorts (gnomAD); In silico analysis suggests that this missense variant does not alter protein structure/function; Has not been previously published as pathogenic or benign to our knowledge